The following is an entry in ClinVar:

NM_003611.3(OFD1):c.38T>G (p.Val13Gly)

Genes: OFD1 (OFD1 centriole and centriolar satellite protein; plus strand), LOC126863212 (CDK7 strongly-dependent group 2 enhancer GRCh37_chrX:13752241-13753440; plus strand). Cytogenetic location: Xp22.2.
Variant type: single nucleotide variant.
Coding change: c.38T>G on transcript NM_003611.3 (MANE Select); coding-DNA position 38, T replaced by G.
Protein change: p.Val13Gly; replaces valine 13 with glycine.
Molecular consequence: missense variant. On other transcripts: 5 prime UTR variant (1).
Genome position (GRCh38, 1-based): chrX:13,735,273, T>G. VCF-style: chrX-13735273-T-G. GRCh37 (hg19) VCF-style: chrX-13753392-T-G.
Other names: c.38T>G, p.Val13Gly (NM_001330209.2); c.-508T>G (NM_001330210.2); short protein forms V13G.
Identifiers: ClinVar variation 2631346 (VCV002631346.1), dbSNP rs2518743013, ClinGen allele CA412331376.
Genomic context (GRCh38, chrX:13,735,273, plus strand): 5'-CCCCGCAGGTAACCTATAACCATTTTGTCTTTTAGTCCAACATGTTTACCGTGGCTGATG[T>G]GTTGAGTCAAGATGAACTGCGCAAAAAGCTATACCAGACGTTTAAGGATCGGGGTATACT-3'
Protein context (NP_003602.1, residues 3-23): AQSNMFTVAD[Val13Gly]LSQDELRKKL

ClinVar aggregate classification (germline): Uncertain significance (1 of 4 stars; one submission).

Conditions:
OFD1-related disorder. Also called: OFD1-related condition.

Submission:

PreventionGenetics, part of Exact Sciences
Classification: Uncertain significance for OFD1-related condition. Last evaluated: 2023-08-08. Review status: criteria provided, single submitter. Criteria: ACMG Guidelines, 2015. Collection method: clinical testing. Allele origin: germline.
Comment: The OFD1 c.38T>G variant is predicted to result in the amino acid substitution p.Val13Gly. To our knowledge, this variant has not been reported in the literature or in a large population database, indicating this variant is rare. At this time, the clinical significance of this variant is uncertain due to the absence of conclusive functional and genetic evidence.